The following is an entry in ClinVar:

NM_000843.4(GRM6):c.1291C>T (p.Pro431Ser)

Genes: GRM6 (glutamate metabotropic receptor 6; minus strand), ZNF454 (zinc finger protein 454; plus strand). Cytogenetic location: 5q35.3.
Variant type: single nucleotide variant.
Coding change: c.1291C>T on transcript NM_000843.4 (MANE Select); coding-DNA position 1291, C replaced by T.
Protein change: p.Pro431Ser; replaces proline 431 with serine.
Molecular consequence: missense variant.
Genome position (GRCh38, 1-based): chr5:178,988,998, G>A on the plus strand (C>T on the coding strand, the complement: GRM6 is on the minus strand). VCF-style: chr5-178988998-G-A. GRCh37 (hg19) VCF-style: chr5-178415999-G-A.
Other names: short protein forms P431S.
Identifiers: ClinVar variation 854629 (VCV000854629.7), dbSNP rs768987346, ClinGen allele CA3594136.

ClinVar aggregate classification (germline): Uncertain significance. Review status: criteria provided, multiple submitters, no conflicts (2 of 4 stars). 2 submissions from 2 submitters: Uncertain significance (2). Last evaluated 2022-02-08.

Conditions:
Inborn genetic diseases. Identifiers: MedGen C0950123, MeSH D030342.

Allele frequency attached by ClinVar (database versions not stated): ExAC 0.00001; TOPMed 0.00003; gnomAD exomes 0.00002; gnomAD 0.00005.
gnomAD v4.1: 187 of 1,613,950 alleles (0.012%); highest among the groups gnomAD compares: Non-Finnish European, 0.016%; no homozygotes.

Submissions (2):

Labcorp Genetics (formerly Invitae), Labcorp
Classification: Uncertain significance. Last evaluated: 2022-02-08. Review status: criteria provided, single submitter. Criteria: Invitae Variant Classification Sherloc (09022015). Collection method: clinical testing. Allele origin: germline.
Comment: This sequence change replaces proline, which is neutral and non-polar, with serine, which is neutral and polar, at codon 431 of the GRM6 protein (p.Pro431Ser). This variant is present in population databases (rs768987346, gnomAD 0.006%). This variant has not been reported in the literature in individuals affected with GRM6-related conditions. ClinVar contains an entry for this variant (Variation ID: 854629). Advanced modeling of protein sequence and biophysical properties (such as structural, functional, and spatial information, amino acid conservation, physicochemical variation, residue mobility, and thermodynamic stability) performed at Invitae indicates that this missense variant is not expected to disrupt GRM6 protein function. In summary, the available evidence is currently insufficient to determine the role of this variant in disease. Therefore, it has been classified as a Variant of Uncertain Significance.

Ambry Genetics
Classification: Uncertain significance for Inborn genetic diseases. Last evaluated: 2021-12-07. Review status: criteria provided, single submitter. Criteria: Ambry Variant Classification Scheme 2023. Collection method: clinical testing. Allele origin: germline.